The following is an entry in ClinVar:

NM_004385.5(VCAN):c.8503A>G (p.Ser2835Gly)

Genes: VCAN (versican; plus strand), VCAN-AS1 (VCAN antisense RNA 1; minus strand). Cytogenetic location: 5q14.3.
Variant type: single nucleotide variant.
Coding change: c.8503A>G on transcript NM_004385.5 (MANE Select); coding-DNA position 8503, A replaced by G.
Protein change: p.Ser2835Gly; replaces serine 2835 with glycine.
Molecular consequence: missense variant. On other transcripts: intron variant (2).
Genome position (GRCh38, 1-based): chr5:83,541,506, A>G. VCF-style: chr5-83541506-A-G. GRCh37 (hg19) VCF-style: chr5-82837325-A-G.
Other names: c.5542A>G, p.Ser1848Gly (NM_001164097.2); c.4004-4031A>G (NM_001164098.2); c.1043-4031A>G (NM_001126336.3); short protein forms S1848G, S2835G.
Identifiers: ClinVar variation 1967096 (VCV001967096.5), dbSNP rs2479123770, ClinGen allele CA360293557.
Genomic context (GRCh38, chr5:83,541,506, plus strand): 5'-TCAACATTTGCGAAGTTGTCTTCTCAGACACCATCATCTCCCCTCACTATCTACTCAGGC[A>G]GTGAAGCCTCTGGACACACAGAGATCCCCCAGCCCAGTGCTCTGCCAGGAATAGACGTCG-3'
Protein context (NP_004376.2, residues 2825-2845): PSSPLTIYSG[Ser2835Gly]EASGHTEIPQ

ClinVar aggregate classification (germline): Uncertain significance (1 of 4 stars; one submission).

Allele frequency attached by ClinVar (database versions not stated): gnomAD exomes below 0.00001.
gnomAD v4.1: 1 of 1,614,034 alleles (0.000062%); highest among the groups gnomAD compares: Non-Finnish European, 0.000085%; no homozygotes.

Submission:

Labcorp Genetics (formerly Invitae), Labcorp
Classification: Uncertain significance. Last evaluated: 2022-04-30. Review status: criteria provided, single submitter. Criteria: Invitae Variant Classification Sherloc (09022015). Collection method: clinical testing. Allele origin: germline.
Comment: In summary, the available evidence is currently insufficient to determine the role of this variant in disease. Therefore, it has been classified as a Variant of Uncertain Significance. Algorithms developed to predict the effect of missense changes on protein structure and function are either unavailable or do not agree on the potential impact of this missense change (SIFT: "Deleterious"; PolyPhen-2: "Possibly Damaging"; Align-GVGD: "Class C0"). This variant has not been reported in the literature in individuals affected with VCAN-related conditions. This variant is not present in population databases (gnomAD no frequency). This sequence change replaces serine, which is neutral and polar, with glycine, which is neutral and non-polar, at codon 2835 of the VCAN protein (p.Ser2835Gly).